The following is an entry in ClinVar:

NM_001009944.3(PKD1):c.8620G>A (p.Val2874Met)

Gene: PKD1 (polycystin 1, transient receptor potential channel interacting; minus strand). Cytogenetic location: 16p13.3.
Variant type: single nucleotide variant.
Coding change: c.8620G>A on transcript NM_001009944.3 (MANE Select); coding-DNA position 8620, G replaced by A.
Protein change: p.Val2874Met; replaces valine 2874 with methionine.
Molecular consequence: missense variant.
Genome position (GRCh38, 1-based): chr16:2,103,437, C>T on the plus strand (G>A on the coding strand, the complement: PKD1 is on the minus strand). VCF-style: chr16-2103437-C-T. GRCh37 (hg19) VCF-style: chr16-2153438-C-T.
Other names: c.8620G>A, p.Val2874Met (NM_000296.4); short protein forms V2874M.
Identifiers: ClinVar variation 432069 (VCV000432069.2), dbSNP rs574287355, ClinGen allele CA7830447.

ClinVar aggregate classification (germline): Uncertain significance (1 of 4 stars; one submission).

Allele frequency attached by ClinVar (database versions not stated): TOPMed 0.00011; 1000 Genomes Project 30x 0.00016; gnomAD 0.00008; ExAC 0.00009; 1000 Genomes Project 0.00020.

Submission:

GeneDx
Classification: Uncertain significance. Last evaluated: 2017-06-12. Review status: criteria provided, single submitter. Criteria: GeneDx Variant Classification (06012015). Collection method: clinical testing. Allele origin: germline. Affected: yes.
Comment: The V2874M variant in the PKD1 gene has not been reported previously as a pathogenic variant, nor as a benign variant, to our knowledge. The V2874M variant is observed in 3/16342 (0.018%) alleles from individuals of South Asian background in the ExAC dataset (Lek et al., 2016). The V2874M variant is a conservative amino acid substitution, which occurs at a position that is conserved across species. In silico analysis is inconsistent in its predictions as to whether or not the variant is damaging to the protein structure/function. We interpret V2874M as a variant of uncertain significance,